The following is an entry in ClinVar:

ClinVar aggregate classification (germline): Uncertain significance (1 of 4 stars; one submission).

Allele frequency attached by ClinVar (database versions not stated): TOPMed below 0.00001.

Submission:

GeneDx
Classification: Uncertain significance. Last evaluated: 2023-02-28. Review status: criteria provided, single submitter. Criteria: GeneDx Variant Classification Process June 2021. Collection method: clinical testing. Allele origin: germline. Affected: yes.
Comment: Not observed at significant frequency in large population cohorts (gnomAD); In silico analysis supports that this missense variant has a deleterious effect on protein structure/function; Has not been previously published as pathogenic or benign to our knowledge

NM_206933.4(USH2A):c.12403T>G (p.Cys4135Gly)

Gene: USH2A (usherin; minus strand). Cytogenetic location: 1q41.
Variant type: single nucleotide variant.
Coding change: c.12403T>G on transcript NM_206933.4 (MANE Select); coding-DNA position 12403, T replaced by G.
Protein change: p.Cys4135Gly; replaces cysteine 4135 with glycine.
Molecular consequence: missense variant.
Genome position (GRCh38, 1-based): chr1:215,675,508, A>C on the plus strand (T>G on the coding strand, the complement: USH2A is on the minus strand). VCF-style: chr1-215675508-A-C. GRCh37 (hg19) VCF-style: chr1-215848850-A-C.
Other names: short protein forms C4135G.
Identifiers: ClinVar variation 2578288 (VCV002578288.1), dbSNP rs1657992624, ClinGen allele CA344851017.